The following is an entry in ClinVar:

NM_024675.4(PALB2):c.2931A>G (p.Leu977=)

Gene: PALB2 (partner and localizer of BRCA2; minus strand). Cytogenetic location: 16p12.2.
Variant type: single nucleotide variant.
Coding change: c.2931A>G on transcript NM_024675.4 (MANE Select); coding-DNA position 2931, A replaced by G.
Protein change: p.Leu977=; no amino-acid change (leucine 977 retained).
Molecular consequence: synonymous variant.
Genome position (GRCh38, 1-based): chr16:23,623,034, T>C on the plus strand (A>G on the coding strand, the complement: PALB2 is on the minus strand). VCF-style: chr16-23623034-T-C. GRCh37 (hg19) VCF-style: chr16-23634355-T-C.
Identifiers: ClinVar variation 1411714 (VCV001411714.12), dbSNP rs2142335769, ClinGen allele CA494180423.

ClinVar aggregate classification (germline): Benign/Likely benign. Review status: criteria provided, multiple submitters, no conflicts (2 of 4 stars). 3 submissions from 3 submitters: Benign (1); Likely benign (2). Last evaluated 2025-01-21.

Conditions:
Hereditary cancer-predisposing syndrome. Also called: Hereditary Cancer Syndrome; Tumor predisposition; Hereditary neoplastic syndrome; Neoplastic Syndromes, Hereditary. Identifiers: Orphanet 140162, MedGen C0027672, MeSH D009386, MONDO:0015356.
Familial cancer of breast. Also called: hereditary breast carcinoma; Hereditary breast cancer; BREAST CANCER, FAMILIAL. Identifiers: Orphanet 227535, MedGen C0346153, MONDO:0016419, OMIM 114480. Disease mechanism: loss of function.

gnomAD v4.1: 1 of 1,614,118 alleles (0.000062%); highest among the groups gnomAD compares: Non-Finnish European, 0.000085%; no homozygotes.

Submissions (3):

Myriad Genetics, Inc.
Classification: Benign for Familial cancer of breast. Last evaluated: 2025-01-21. Review status: criteria provided, single submitter. Criteria: Myriad Autosomal Dominant, Autosomal Recessive and X-Linked Classification Criteria (2023). Collection method: clinical testing. Allele origin: unknown.
Comment: This variant is considered benign. This variant is a silent/synonymous amino acid change and it is not expected to impact splicing.

Labcorp Genetics (formerly Invitae), Labcorp
Classification: Likely benign for Familial cancer of breast. Last evaluated: 2024-02-17. Review status: criteria provided, single submitter. Criteria: Invitae Variant Classification Sherloc (09022015). Collection method: clinical testing. Allele origin: germline.

Ambry Genetics
Classification: Likely benign for Hereditary cancer-predisposing syndrome. Last evaluated: 2022-10-31. Review status: criteria provided, single submitter. Criteria: Ambry Variant Classification Scheme 2023. Collection method: clinical testing. Allele origin: germline.